The following is an entry in ClinVar:

NM_001035.3(RYR2):c.13966A>C (p.Lys4656Gln)

Gene: RYR2 (ryanodine receptor 2; plus strand). Cytogenetic location: 1q43.
Variant type: single nucleotide variant.
Coding change: c.13966A>C on transcript NM_001035.3 (MANE Select); coding-DNA position 13966, A replaced by C.
Protein change: p.Lys4656Gln; replaces lysine 4656 with glutamine.
Molecular consequence: missense variant.
Genome position (GRCh38, 1-based): chr1:237,798,046, A>C. VCF-style: chr1-237798046-A-C. GRCh37 (hg19) VCF-style: chr1-237961346-A-C.
Other names: c.13966A>C (NM_001035.2); short protein forms K4656Q.
Identifiers: ClinVar variation 1722118 (VCV001722118.7), dbSNP rs2528016481, ClinGen allele CA345419431.

ClinVar aggregate classification (germline): Uncertain significance. Review status: criteria provided, multiple submitters, no conflicts (2 of 4 stars). 2 submissions from 2 submitters: Uncertain significance (2). Last evaluated 2026-02-22.

Conditions:
Catecholaminergic polymorphic ventricular tachycardia 1. Also called: VENTRICULAR TACHYCARDIA, CATECHOLAMINERGIC POLYMORPHIC, 1, WITH OR WITHOUT ATRIAL DYSFUNCTION AND/OR DILATED CARDIOMYOPATHY; VENTRICULAR TACHYCARDIA, STRESS-INDUCED POLYMORPHIC 1; RYR2-Related Catecholaminergic Polymorphic Ventricular Tachycardia. Identifiers: Orphanet 3286, MedGen C1631597, MONDO:0011484, OMIM 604772.
Cardiovascular phenotype. Identifiers: MedGen CN230736.

Submissions (2):

Ambry Genetics
Classification: Uncertain significance for Cardiovascular phenotype. Last evaluated: 2026-02-22. Review status: criteria provided, single submitter. Criteria: Ambry Variant Classification Scheme 2023. Collection method: clinical testing. Allele origin: germline.
Comment: The p.K4656Q variant (also known as c.13966A>C), located in coding exon 97 of the RYR2 gene, results from an A to C substitution at nucleotide position 13966. The lysine at codon 4656 is replaced by glutamine, an amino acid with similar properties. This amino acid position is conserved. In addition, this alteration is predicted to be deleterious by in silico analysis. Based on the available evidence, the clinical significance of this variant remains unclear.

Labcorp Genetics (formerly Invitae), Labcorp
Classification: Uncertain significance for Catecholaminergic polymorphic ventricular tachycardia 1. Last evaluated: 2022-10-25. Review status: criteria provided, single submitter. Criteria: Invitae Variant Classification Sherloc (09022015). Collection method: clinical testing. Allele origin: germline.
Comment: In summary, the available evidence is currently insufficient to determine the role of this variant in disease. Therefore, it has been classified as a Variant of Uncertain Significance. Advanced modeling of protein sequence and biophysical properties (such as structural, functional, and spatial information, amino acid conservation, physicochemical variation, residue mobility, and thermodynamic stability) performed at Invitae indicates that this missense variant is expected to disrupt RYR2 protein function. This variant has not been reported in the literature in individuals affected with RYR2-related conditions. This variant is not present in population databases (gnomAD no frequency). This sequence change replaces lysine, which is basic and polar, with glutamine, which is neutral and polar, at codon 4656 of the RYR2 protein (p.Lys4656Gln).